The following is an entry in ClinVar:

NM_000219.6(KCNE1):c.37C>G (p.Leu13Val)

Gene: KCNE1 (potassium voltage-gated channel subfamily E regulatory subunit 1; minus strand). Cytogenetic location: 21q22.12.
Variant type: single nucleotide variant.
Coding change: c.37C>G on transcript NM_000219.6 (MANE Select); coding-DNA position 37, C replaced by G.
Protein change: p.Leu13Val; replaces leucine 13 with valine.
Molecular consequence: missense variant.
Genome position (GRCh38, 1-based): chr21:34,449,598, G>C on the plus strand (C>G on the coding strand, the complement: KCNE1 is on the minus strand). VCF-style: chr21-34449598-G-C. GRCh37 (hg19) VCF-style: chr21-35821896-G-C.
Other names: c.37C>G, p.Leu13Val (NM_001127668.4, NM_001127669.4, NM_001127670.4 and 4 more transcripts); short protein forms L13V.
Identifiers: ClinVar variation 3373864 (VCV003373864.2).

Conditions:
Long QT syndrome 5 (LQT5). Identifiers: Orphanet 101016, Orphanet 768, MedGen C1867904, MONDO:0013372, OMIM 613695.

Submission:

Roden Lab, Vanderbilt University Medical Center
No classification provided (evidence only). Condition: Long QT syndrome 5. Review status: no classification provided. Collection method: in vitro. Allele origin: not applicable. Functional consequence: Effect on ion channel function.
ClinVar note: "not provided" was previously submitted as the classification for the variant. However, the classification appeared to be based only on an observation of functional data so it was converted to no classification on 2025-07-30.